The following is an entry in ClinVar:

NM_005560.6(LAMA5):c.6558C>T (p.Pro2186=)

Gene: LAMA5 (laminin subunit alpha 5; minus strand). Cytogenetic location: 20q13.33.
Variant type: single nucleotide variant.
Coding change: c.6558C>T on transcript NM_005560.6 (MANE Select); coding-DNA position 6558, C replaced by T.
Protein change: p.Pro2186=; no amino-acid change (proline 2186 retained).
Molecular consequence: synonymous variant.
Genome position (GRCh38, 1-based): chr20:62,320,829, G>A on the plus strand (C>T on the coding strand, the complement: LAMA5 is on the minus strand). VCF-style: chr20-62320829-G-A. GRCh37 (hg19) VCF-style: chr20-60895885-G-A.
Identifiers: ClinVar variation 2176708 (VCV002176708.29), dbSNP rs543735593, ClinGen allele CA9941674.

ClinVar aggregate classification (germline): Benign/Likely benign. Review status: criteria provided, multiple submitters, no conflicts (2 of 4 stars). 3 submissions from 3 submitters: Benign (1); Likely benign (2). Last evaluated 2026-01-12.

Allele frequency attached by ClinVar (database versions not stated): TOPMed 0.00007; gnomAD 0.00008; ExAC 0.00036; 1000 Genomes Project 30x 0.00047; 1000 Genomes Project 0.00060.
gnomAD v4.1: 340 of 1,612,610 alleles (0.021%); highest among the groups gnomAD compares: South Asian, 0.18%; 6 homozygotes.

Submissions (3):

Labcorp Genetics (formerly Invitae), Labcorp
Classification: Benign. Last evaluated: 2026-01-12. Review status: criteria provided, single submitter. Criteria: Invitae Variant Classification Sherloc (09022015). Collection method: clinical testing. Allele origin: germline.

Blueprint Genetics
Classification: Likely benign. Last evaluated: 2024-09-15. Review status: criteria provided, single submitter. Criteria: ACMG Guidelines, 2015. Collection method: clinical testing. Allele origin: germline.

CeGaT Center for Human Genetics Tuebingen
Classification: Likely benign. Last evaluated: 2022-07-01. Review status: criteria provided, single submitter. Criteria: CeGaT Center For Human Genetics Tuebingen Variant Classification Criteria Version 2. Collection method: clinical testing. Allele origin: germline. Affected: yes. Observed: 1 variant allele.
Comment: LAMA5: BP4, BP7